The following is an entry in ClinVar:

NM_139318.5(KCNH5):c.2942C>T (p.Ser981Phe)

Gene: KCNH5 (potassium voltage-gated channel subfamily H member 5; minus strand). Cytogenetic location: 14q23.2.
Variant type: single nucleotide variant.
Coding change: c.2942C>T on transcript NM_139318.5 (MANE Select); coding-DNA position 2942, C replaced by T.
Protein change: p.Ser981Phe; replaces serine 981 with phenylalanine.
Molecular consequence: missense variant. On other transcripts: 3 prime UTR variant (1).
Genome position (GRCh38, 1-based): chr14:62,707,533, G>A on the plus strand (C>T on the coding strand, the complement: KCNH5 is on the minus strand). VCF-style: chr14-62707533-G-A. GRCh37 (hg19) VCF-style: chr14-63174251-G-A.
Other names: c.*909C>T (NM_172375.3); short protein forms S981F.
Identifiers: ClinVar variation 2014080 (VCV002014080.4), dbSNP rs759404200, ClinGen allele CA390099494.

ClinVar aggregate classification (germline): Uncertain significance (1 of 4 stars; one submission).

Conditions:
Early-infantile DEE. Also called: Early infantile epileptic encephalopathy; Ohtahara syndrome; Early infantile epileptic encephalopathy with suppression bursts. Identifiers: Orphanet 1934, MedGen C0393706, MONDO:0800491.

gnomAD v4.1: 2 of 1,461,126 alleles (0.00014%); highest among the groups gnomAD compares: African/African-American, 0.0014%; no homozygotes.

Submission:

Labcorp Genetics (formerly Invitae), Labcorp
Classification: Uncertain significance for Early-infantile DEE. Last evaluated: 2025-03-07. Review status: criteria provided, single submitter. Criteria: Invitae Variant Classification Sherloc (09022015). Collection method: clinical testing. Allele origin: germline.
Comment: This sequence change replaces serine, which is neutral and polar, with phenylalanine, which is neutral and non-polar, at codon 981 of the KCNH5 protein (p.Ser981Phe). This variant is not present in population databases (gnomAD no frequency). This variant has not been reported in the literature in individuals affected with KCNH5-related conditions. ClinVar contains an entry for this variant (Variation ID: 2014080). Invitae Evidence Modeling of protein sequence and biophysical properties (such as structural, functional, and spatial information, amino acid conservation, physicochemical variation, residue mobility, and thermodynamic stability) indicates that this missense variant is not expected to disrupt KCNH5 protein function with a negative predictive value of 95%. In summary, the available evidence is currently insufficient to determine the role of this variant in disease. Therefore, it has been classified as a Variant of Uncertain Significance.